The following is an entry in ClinVar:

ClinVar aggregate classification (germline): Pathogenic/Likely pathogenic. Review status: criteria provided, multiple submitters, no conflicts (2 of 4 stars). 2 submissions from 2 submitters: Pathogenic (1); Likely pathogenic (1). Last evaluated 2020-04-04.

Conditions:
Familial thoracic aortic aneurysm and aortic dissection (TAAD). Also called: Thoracic aortic aneurysms and dissections. Identifiers: Orphanet 91387, MedGen C4707243, MONDO:0019625.
Marfan syndrome (MFS). Also called: FBN1-Related Marfan Syndrome; Marfan's syndrome; MARFAN SYNDROME, TYPE I; Marfan syndrome type 1; Marfan syndrome, classic. Identifiers: Orphanet 284963, Orphanet 558, MedGen C0024796, MONDO:0007947, OMIM 154700.

Submissions (2):

ARUP Laboratories, Molecular Genetics and Genomics, ARUP Laboratories
Classification: Likely pathogenic. Last evaluated: 2020-04-04. Review status: criteria provided, single submitter. Criteria: ARUP Molecular Germline Variant Investigation Process. Collection method: clinical testing. Allele origin: germline.
Comment: The FBN1 c.7865G>C; p.Cys2622Ser variant, to our knowledge, is not reported in the medical literature or gene specific databases. This variant is also absent from general population databases (Exome Variant Server, Genome Aggregation Database), indicating it is not a common polymorphism. The cysteine at codon 2622 is moderately conserved, and computational analyses (SIFT, PolyPhen-2) predict that this variant is deleterious. Additionally, other variants at this codon, including a variant resulting in the same amino acid change (c.7864T>A; p.Cys2622Ser, c.7864T>C; p.Cys2622Arg) have been reported in individuals with Marfan syndrome (Haine 2015, Loeys 2015). Based on available information, this variant is considered to be likely pathogenic. References: Haine E et al. Muscle and Bone Impairment in Children With Marfan Syndrome: Correlation With Age and FBN1 Genotype. J Bone Miner Res. 2015 Aug;30(8):1369-76. Loeys et al. Comprehensive molecular screening of the FBN1 gene favors locus homogeneity of classical Marfan syndrome. Hum Mutat. 2004 Aug;24(2):140-6.

Labcorp Genetics (formerly Invitae), Labcorp
Classification: Pathogenic for Marfan syndrome; Familial thoracic aortic aneurysm and aortic dissection. Last evaluated: 2019-06-02. Review status: criteria provided, single submitter. Criteria: Invitae Variant Classification Sherloc (09022015). Collection method: clinical testing. Allele origin: germline.
Comment: This variant affects a cysteine residue in the EGF-like, TGFBP or hybrid motif domains of FBN1. Cysteine residues are believed to be involved in intramolecular disulfide bridges and have been shown to be important for FBN1 protein structure (PMID: 16905551, 19349279). In addition, missense substitutions affecting cysteine residues within these domains are significantly overrepresented among patients with Marfan syndrome (PMID: 16571647, 17701892). For these reasons, this variant has been classified as Pathogenic. This variant disrupts the p.Cys2622 amino acid residue in FBN1. Other variant(s) that disrupt this residue have been observed in individuals with FBN1-related conditions (PMID: 25656438), which suggests that this may be a clinically significant amino acid residue. Algorithms developed to predict the effect of missense changes on protein structure and function are either unavailable or do not agree on the potential impact of this missense change (SIFT: "Deleterious"; PolyPhen-2: "Probably Damaging"; Align-GVGD: "Class C0"). This variant has been observed in individuals affected with FBN1-related conditions (PMID: 15241795, Invitae). This variant is not present in population databases (ExAC no frequency). This sequence change replaces cysteine with serine at codon 2622 of the FBN1 protein (p.Cys2622Ser). The cysteine residue is highly conserved and there is a moderate physicochemical difference between cysteine and serine.

Literature cited by the submitters: PubMed 16905551 (cited by Labcorp Genetics (formerly Invitae), Labcorp); PubMed 19349279 (cited by Labcorp Genetics (formerly Invitae), Labcorp); PubMed 16571647 (cited by Labcorp Genetics (formerly Invitae), Labcorp); PubMed 17701892 (cited by Labcorp Genetics (formerly Invitae), Labcorp); PubMed 25656438 (cited by Labcorp Genetics (formerly Invitae), Labcorp); PubMed 15241795 (cited by Labcorp Genetics (formerly Invitae), Labcorp).

NM_000138.5(FBN1):c.7865G>C (p.Cys2622Ser)

Gene: FBN1 (fibrillin 1; minus strand). Cytogenetic location: 15q21.1.
Variant type: single nucleotide variant.
Coding change: c.7865G>C on transcript NM_000138.5 (MANE Select); coding-DNA position 7865, G replaced by C.
Protein change: p.Cys2622Ser; replaces cysteine 2622 with serine.
Molecular consequence: missense variant.
Genome position (GRCh38, 1-based): chr15:48,415,722, C>G on the plus strand (G>C on the coding strand, the complement: FBN1 is on the minus strand). VCF-style: chr15-48415722-C-G. GRCh37 (hg19) VCF-style: chr15-48707919-C-G.
Other names: short protein forms C2622S.
Identifiers: ClinVar variation 844728 (VCV000844728.18), dbSNP rs1555393880, ClinGen allele CA392323373.
Genomic context (GRCh38, chr15:48,415,722, plus strand): 5'-AACTGTTCATACTGGAAGCCGGCGGGACACATGCACTTGTAGCTCCCCAGGGTGTTGTGA[C>G]AGGAGGCTCCTCCGCAGATGTGAGCGCTGAGGCATTCGTTTTCATCTGCAGGCAAAATAA-3'
Protein context (NP_000129.3, residues 2612-2632): LSAHICGGAS[Cys2622Ser]HNTLGSYKCM